The following is an entry in ClinVar:

ClinVar aggregate classification (germline): Uncertain significance. Review status: criteria provided, multiple submitters, no conflicts (2 of 4 stars). 3 submissions from 3 submitters: Uncertain significance (3). Last evaluated 2025-06-25.

Conditions:
Hereditary cancer-predisposing syndrome. Also called: Tumor predisposition; Hereditary Cancer Syndrome; Hereditary neoplastic syndrome; Neoplastic Syndromes, Hereditary. Identifiers: Orphanet 140162, MedGen C0027672, MeSH D009386, MONDO:0015356.
Familial adenomatous polyposis 1 (FAP1). Also called: FAMILIAL ADENOMATOUS POLYPOSIS 1, ATTENUATED; POLYPOSIS, ADENOMATOUS INTESTINAL. Identifiers: MedGen C2713442, MONDO:0021056, OMIM 175100. Disease mechanism: loss of function.

Submissions (3):

Ambry Genetics
Classification: Uncertain significance for Hereditary cancer-predisposing syndrome. Last evaluated: 2025-06-25. Review status: criteria provided, single submitter. Criteria: Ambry Variant Classification Scheme 2023. Collection method: clinical testing. Allele origin: germline.
Comment: The p.L172I variant (also known as c.514C>A), located in coding exon 4 of the APC gene, results from a C to A substitution at nucleotide position 514. The leucine at codon 172 is replaced by isoleucine, an amino acid with highly similar properties. This amino acid position is highly conserved in available vertebrate species. Missense alterations in APC are not a common cause of disease (Spier I et al. Genet Med. 2024 Feb;26(2):100992). Based on the available evidence, the clinical significance of this variant remains unclear.

GeneDx
Classification: Uncertain significance. Last evaluated: 2023-10-30. Review status: criteria provided, single submitter. Criteria: GeneDx Variant Classification Process June 2021. Collection method: clinical testing. Allele origin: germline. Affected: yes.
Comment: Not observed at significant frequency in large population cohorts (gnomAD); In silico analysis supports that this missense variant does not alter protein structure/function; Has not been previously published as pathogenic or benign to our knowledge

Labcorp Genetics (formerly Invitae), Labcorp
Classification: Uncertain significance for Familial adenomatous polyposis 1. Last evaluated: 2021-07-06. Review status: criteria provided, single submitter. Criteria: Invitae Variant Classification Sherloc (09022015). Collection method: clinical testing. Allele origin: germline.
Comment: This sequence change replaces leucine with isoleucine at codon 172 of the APC protein (p.Leu172Ile). The leucine residue is highly conserved and there is a small physicochemical difference between leucine and isoleucine. This variant is not present in population databases (ExAC no frequency). This variant has not been reported in the literature in individuals affected with APC-related conditions. Algorithms developed to predict the effect of missense changes on protein structure and function are either unavailable or do not agree on the potential impact of this missense change (SIFT: "Deleterious"; PolyPhen-2: "Probably Damaging"; Align-GVGD: "Class C0"). In summary, the available evidence is currently insufficient to determine the role of this variant in disease. Therefore, it has been classified as a Variant of Uncertain Significance.

NM_000038.6(APC):c.514C>A (p.Leu172Ile)

Gene: APC (APC regulator of Wnt signaling pathway; plus strand). Cytogenetic location: 5q22.2.
Variant type: single nucleotide variant.
Coding change: c.514C>A on transcript NM_000038.6 (MANE Select); coding-DNA position 514, C replaced by A.
Protein change: p.Leu172Ile; replaces leucine 172 with isoleucine.
Molecular consequence: missense variant. On other transcripts: 5 prime UTR variant (1).
Genome position (GRCh38, 1-based): chr5:112,775,720, C>A. VCF-style: chr5-112775720-C-A. GRCh37 (hg19) VCF-style: chr5-112111417-C-A.
Other names: c.514C>A, p.Leu172Ile (NM_001127510.3, NM_001354895.2, NM_001354896.2 and 2 more transcripts); c.544C>A, p.Leu182Ile (NM_001127511.3, NM_001354897.2, NM_001354902.2); c.439C>A, p.Leu147Ile (NM_001354898.2, NM_001354904.2); c.337C>A, p.Leu113Ile (NM_001354900.2, NM_001354901.2, NM_001354905.2); c.-522C>A (NM_001354906.2); c.514C>A (NM_000038.5); short protein forms L147I, L172I, L113I, L182I.
Identifiers: ClinVar variation 1478815 (VCV001478815.10), dbSNP rs1242594500, ClinGen allele CA16022450.